The following is an entry in ClinVar:

NM_000334.4(SCN4A):c.1832C>T (p.Thr611Ile)

Gene: SCN4A (sodium voltage-gated channel alpha subunit 4; minus strand). Cytogenetic location: 17q23.3.
Variant type: single nucleotide variant.
Coding change: c.1832C>T on transcript NM_000334.4 (MANE Select); coding-DNA position 1832, C replaced by T.
Protein change: p.Thr611Ile; replaces threonine 611 with isoleucine.
Molecular consequence: missense variant.
Genome position (GRCh38, 1-based): chr17:63,961,206, G>A on the plus strand (C>T on the coding strand, the complement: SCN4A is on the minus strand). VCF-style: chr17-63961206-G-A. GRCh37 (hg19) VCF-style: chr17-62038566-G-A.
Other names: short protein forms T611I.
Identifiers: ClinVar variation 656888 (VCV000656888.11), dbSNP rs1597980105, ClinGen allele CA400632789.
Genomic context (GRCh38, chr17:63,961,206, plus strand): 5'-CCCTCCCATCCTGCCCATGAATGATCCCCTCCCCCGCCCCTCCCTACCAGGTTGCCCACA[G>A]TGAGCACGTTGTCAAAGTGCTCCGTCATGGGGTAATGTTCCATGGCCATGAAGAGGGTGT-3'
Protein context (NP_000325.4, residues 601-621): PMTEHFDNVL[Thr611Ile]VGNLVFTGIF

ClinVar aggregate classification (germline): Uncertain significance (1 of 4 stars; one submission).

Conditions:
Hyperkalemic periodic paralysis. Also called: Familial hyperkalemic periodic paralysis; Gamstorp disease. Identifiers: Orphanet 682, MedGen C0238357, MONDO:0008224, OMIM 170500, HP:0007215.

Allele frequency attached by ClinVar (database versions not stated): gnomAD exomes below 0.00001.

Submission:

Labcorp Genetics (formerly Invitae), Labcorp
Classification: Uncertain significance for Hyperkalemic periodic paralysis. Last evaluated: 2022-07-18. Review status: criteria provided, single submitter. Criteria: Invitae Variant Classification Sherloc (09022015). Collection method: clinical testing. Allele origin: germline.
Comment: In summary, the available evidence is currently insufficient to determine the role of this variant in disease. Therefore, it has been classified as a Variant of Uncertain Significance. Algorithms developed to predict the effect of missense changes on protein structure and function are either unavailable or do not agree on the potential impact of this missense change (SIFT: "Deleterious"; PolyPhen-2: "Benign"; Align-GVGD: "Class C0"). ClinVar contains an entry for this variant (Variation ID: 656888). This variant has not been reported in the literature in individuals affected with SCN4A-related conditions. This variant is not present in population databases (gnomAD no frequency). This sequence change replaces threonine, which is neutral and polar, with isoleucine, which is neutral and non-polar, at codon 611 of the SCN4A protein (p.Thr611Ile).